The following is an entry in ClinVar:

NM_001909.5(CTSD):c.1136G>A (p.Ser379Asn)

Gene: CTSD (cathepsin D; minus strand). Cytogenetic location: 11p15.5.
Variant type: single nucleotide variant.
Coding change: c.1136G>A on transcript NM_001909.5 (MANE Select); coding-DNA position 1136, G replaced by A.
Protein change: p.Ser379Asn; replaces serine 379 with asparagine.
Molecular consequence: missense variant.
Genome position (GRCh38, 1-based): chr11:1,753,606, C>T on the plus strand (G>A on the coding strand, the complement: CTSD is on the minus strand). VCF-style: chr11-1753606-C-T. GRCh37 (hg19) VCF-style: chr11-1774836-C-T.
Other names: short protein forms S379N.
Identifiers: ClinVar variation 1055980 (VCV001055980.6), dbSNP rs1177483130, ClinGen allele CA379092575.

ClinVar aggregate classification (germline): Uncertain significance (1 of 4 stars; one submission).

Conditions:
Neuronal ceroid lipofuscinosis. Also called: Neuronal Ceroid Lipofuscinoses. Identifiers: Orphanet 216, Orphanet 79263, MedGen C0027877, MONDO:0016295. Disease mechanism: loss of function.

Allele frequency attached by ClinVar (database versions not stated): gnomAD exomes below 0.00001; TOPMed 0.00001.
gnomAD v4.1: 5 of 1,613,068 alleles (0.00031%); highest among the groups gnomAD compares: Non-Finnish European, 0.00042%; no homozygotes.

Submission:

Labcorp Genetics (formerly Invitae), Labcorp
Classification: Uncertain significance for Neuronal ceroid lipofuscinosis. Last evaluated: 2021-08-04. Review status: criteria provided, single submitter. Criteria: Invitae Variant Classification Sherloc (09022015). Collection method: clinical testing. Allele origin: germline.
Comment: This sequence change replaces serine with asparagine at codon 379 of the CTSD protein (p.Ser379Asn). The serine residue is weakly conserved and there is a small physicochemical difference between serine and asparagine. This variant is not present in population databases (ExAC no frequency). This variant has not been reported in the literature in individuals affected with CTSD-related conditions. Algorithms developed to predict the effect of missense changes on protein structure and function (SIFT, PolyPhen-2, Align-GVGD) all suggest that this variant is likely to be tolerated. In summary, the available evidence is currently insufficient to determine the role of this variant in disease. Therefore, it has been classified as a Variant of Uncertain Significance.